The following is an entry in ClinVar:

NM_004329.3(BMPR1A):c.1535T>A (p.Leu512His)

Gene: BMPR1A (bone morphogenetic protein receptor type 1A; plus strand). Cytogenetic location: 10q23.2.
Variant type: single nucleotide variant.
Coding change: c.1535T>A on transcript NM_004329.3 (MANE Select); coding-DNA position 1535, T replaced by A.
Protein change: p.Leu512His; replaces leucine 512 with histidine.
Molecular consequence: missense variant.
Genome position (GRCh38, 1-based): chr10:86,923,655, T>A. VCF-style: chr10-86923655-T-A. GRCh37 (hg19) VCF-style: chr10-88683412-T-A.
Other names: c.1610T>A, p.Leu537His (NM_001406559.1); c.1583T>A, p.Leu528His (NM_001406560.1); c.1535T>A, p.Leu512His (NM_001406561.1, NM_001406562.1, NM_001406563.1 and 19 more transcripts); c.1451T>A, p.Leu484His (NM_001406586.1, NM_001406587.1, NM_001406588.1 and 2 more transcripts); c.1193T>A, p.Leu398His (NM_001406589.1); c.1529T>A, p.Leu510His (NM_001406583.1); short protein forms L510H, L537H, L398H, L484H, L528H, L512H.
Identifiers: ClinVar variation 2001350 (VCV002001350.4), dbSNP rs1564725819, ClinGen allele CA377463874.

ClinVar aggregate classification (germline): Uncertain significance (1 of 4 stars; one submission).

Conditions:
Juvenile polyposis syndrome (JPS). Identifiers: Orphanet 2929, MedGen C0345893, MONDO:0017380, OMIM 174900.

Submission:

Labcorp Genetics (formerly Invitae), Labcorp
Classification: Uncertain significance for Juvenile polyposis syndrome. Last evaluated: 2022-05-31. Review status: criteria provided, single submitter. Criteria: Invitae Variant Classification Sherloc (09022015). Collection method: clinical testing. Allele origin: germline.
Comment: This sequence change replaces leucine, which is neutral and non-polar, with histidine, which is basic and polar, at codon 512 of the BMPR1A protein (p.Leu512His). This variant is not present in population databases (gnomAD no frequency). This variant has not been reported in the literature in individuals affected with BMPR1A-related conditions. Advanced modeling of protein sequence and biophysical properties (such as structural, functional, and spatial information, amino acid conservation, physicochemical variation, residue mobility, and thermodynamic stability) performed at Invitae indicates that this missense variant is expected to disrupt BMPR1A protein function. In summary, the available evidence is currently insufficient to determine the role of this variant in disease. Therefore, it has been classified as a Variant of Uncertain Significance.